The following is an entry in ClinVar:

NM_001330.5(CTF1):c.311T>C (p.Val104Ala)

Genes: CTF1 (cardiotrophin 1; plus strand), LOC130058878 (ATAC-STARR-seq lymphoblastoid silent region 7400; plus strand). Cytogenetic location: 16p11.2.
Variant type: single nucleotide variant.
Coding change: c.311T>C on transcript NM_001330.5 (MANE Select); coding-DNA position 311, T replaced by C.
Protein change: p.Val104Ala; replaces valine 104 with alanine.
Molecular consequence: missense variant. On other transcripts: non-coding transcript variant (1).
Genome position (GRCh38, 1-based): chr16:30,902,244, T>C. VCF-style: chr16-30902244-T-C. GRCh37 (hg19) VCF-style: chr16-30913565-T-C.
Other names: c.308T>C, p.Val103Ala (NM_001142544.3); short protein forms V104A, V103A.
Identifiers: ClinVar variation 1356394 (VCV001356394.6), dbSNP rs1367415789, ClinGen allele CA395618796.

ClinVar aggregate classification (germline): Uncertain significance (1 of 4 stars; one submission).

Allele frequency attached by ClinVar (database versions not stated): TOPMed 0.00001; gnomAD exomes 0.00002.
gnomAD v4.1: 18 of 1,121,694 alleles (0.0016%); highest among the groups gnomAD compares: Non-Finnish European, 0.002%; no homozygotes.

Submission:

Labcorp Genetics (formerly Invitae), Labcorp
Classification: Uncertain significance. Last evaluated: 2025-03-24. Review status: criteria provided, single submitter. Criteria: Invitae Variant Classification Sherloc (09022015). Collection method: clinical testing. Allele origin: germline.
Comment: This sequence change replaces valine, which is neutral and non-polar, with alanine, which is neutral and non-polar, at codon 104 of the CTF1 protein (p.Val104Ala). The frequency data for this variant in the population databases is considered unreliable, as metrics indicate insufficient coverage at this position in the gnomAD database. This variant has not been reported in the literature in individuals affected with CTF1-related conditions. ClinVar contains an entry for this variant (Variation ID: 1356394). An algorithm developed to predict the effect of missense changes on protein structure and function (PolyPhen-2) suggests that this variant is likely to be tolerated. In summary, the available evidence is currently insufficient to determine the role of this variant in disease. Therefore, it has been classified as a Variant of Uncertain Significance.